The following is an entry in ClinVar:

ClinVar aggregate classification (germline): Uncertain significance (1 of 4 stars; one submission).

Conditions:
Inborn genetic diseases. Identifiers: MedGen C0950123, MeSH D030342.

Submission:

Ambry Genetics
Classification: Uncertain significance for Inborn genetic diseases. Last evaluated: 2024-06-18. Review status: criteria provided, single submitter. Criteria: Ambry Variant Classification Scheme 2023. Collection method: clinical testing. Allele origin: germline.
Comment: The p.V1528L variant (also known as c.4582G>T), located in coding exon 32 of the LRRK2 gene, results from a G to T substitution at nucleotide position 4582. The valine at codon 1528 is replaced by leucine, an amino acid with highly similar properties. This amino acid position is conserved. In addition, this alteration is predicted to be tolerated by in silico analysis. Based on the available evidence, the clinical significance of this variant remains unclear.

NM_198578.4(LRRK2):c.4582G>T (p.Val1528Leu)

Gene: LRRK2 (leucine rich repeat kinase 2; plus strand). Cytogenetic location: 12q12.
Variant type: single nucleotide variant.
Coding change: c.4582G>T on transcript NM_198578.4 (MANE Select); coding-DNA position 4582, G replaced by T.
Protein change: p.Val1528Leu; replaces valine 1528 with leucine.
Molecular consequence: missense variant.
Genome position (GRCh38, 1-based): chr12:40,314,017, G>T. VCF-style: chr12-40314017-G-T. GRCh37 (hg19) VCF-style: chr12-40707819-G-T.
Other names: short protein forms V1528L.
Identifiers: ClinVar variation 3292073 (VCV003292073.1).